The following is an entry in ClinVar:

NM_000384.3(APOB):c.11965C>T (p.Arg3989Cys)

Gene: APOB (apolipoprotein B; minus strand). Cytogenetic location: 2p24.1.
Variant type: single nucleotide variant.
Coding change: c.11965C>T on transcript NM_000384.3 (MANE Select); coding-DNA position 11965, C replaced by T.
Protein change: p.Arg3989Cys; replaces arginine 3989 with cysteine.
Molecular consequence: missense variant.
Genome position (GRCh38, 1-based): chr2:21,004,391, G>A on the plus strand (C>T on the coding strand, the complement: APOB is on the minus strand). VCF-style: chr2-21004391-G-A. GRCh37 (hg19) VCF-style: chr2-21227263-G-A.
Other names: short protein forms R3989C.
Identifiers: ClinVar variation 369878 (VCV000369878.17), dbSNP rs150713761, ClinGen allele CA048360.

ClinVar aggregate classification (germline): Conflicting classifications of pathogenicity. Review status: criteria provided, conflicting classifications (1 of 4 stars). 6 submissions from 6 submitters: Uncertain significance (4); Likely benign (2). Last evaluated 2026-05-07.

Conditions:
Familial hypercholesterolemia. Also called: Familial hypercholesterolaemia; Familial hypercholesterolemias. Identifiers: MedGen C0020445, MONDO:0005439.
Familial hypobetalipoproteinemia 1. Also called: Hypobetalipoproteinemia, normotriglyceridemic; Acanthocytosis with hypobetalipoproteinemia; APOB-Related Familial Hypobetalipoproteinemia. Identifiers: MedGen C4551990, MONDO:0014252, OMIM 615558.
Hypercholesterolemia, autosomal dominant, type B (FHCL2). Also called: APOB-Related Familial Hypercholesterolemia, Autosomal Dominant; Familial Hypercholesterolemia Type B; APOLIPOPROTEIN B-100, FAMILIAL DEFECTIVE; APOLIPOPROTEIN B-100, FAMILIAL LIGAND-DEFECTIVE; HYPERCHOLESTEROLEMIA, FAMILIAL, DUE TO LIGAND-DEFECTIVE APOLIPOPROTEIN B; Hyperlipoproteinemia Type IIb. Identifiers: MedGen C1704417, MONDO:0007751, OMIM 144010.
Hypercholesterolemia, familial, 1. Also called: LDL RECEPTOR DISORDER; Hyperlipoproteinemia Type IIa; HYPER-LOW-DENSITY-LIPOPROTEINEMIA; HYPERCHOLESTEROLEMIC XANTHOMATOSIS, FAMILIAL; Fredrickson type IIa hyperlipoproteinemia; Hyperlipoproteinemia type 2. Identifiers: Orphanet 391665, MedGen C0745103, MONDO:0007750, OMIM 143890.
Cardiovascular phenotype. Identifiers: MedGen CN230736.

Allele frequency attached by ClinVar (database versions not stated): ExAC 0.00002; TOPMed 0.00008; ESP Exome Variant Server 0.00015; gnomAD 0.00010.
gnomAD v4.1: 57 of 1,614,012 alleles (0.0035%); highest among the groups gnomAD compares: African/African-American, 0.029%; no homozygotes.

Submissions (6):

GeneDx
Classification: Uncertain significance. Last evaluated: 2026-05-07. Review status: criteria provided, single submitter. Criteria: GeneDx Variant Classification Process June 2021. Collection method: clinical testing. Allele origin: germline.
Comment: Has not been previously published as pathogenic or benign to our knowledge; In silico analysis supports that this missense variant has a deleterious effect on protein structure/function

Labcorp Genetics (formerly Invitae), Labcorp
Classification: Likely benign for Familial hypobetalipoproteinemia 1; Hypercholesterolemia, autosomal dominant, type B. Last evaluated: 2025-11-05. Review status: criteria provided, single submitter. Criteria: Invitae Variant Classification Sherloc (09022015). Collection method: clinical testing. Allele origin: germline.

Cambridge Genomics Laboratory, East Genomic Laboratory Hub, NHS Genomic Medicine Service
Classification: Uncertain significance for Familial hypercholesterolaemia. Last evaluated: 2024-10-17. Review status: criteria provided, single submitter. Criteria: ACGS Best Practice Guidelines for Variant Classification in Rare Disease 2020. Collection method: clinical testing. Allele origin: germline. Affected: yes.
Comment: PM2,BP4

Ambry Genetics
Classification: Likely benign for Cardiovascular phenotype. Last evaluated: 2024-02-26. Review status: criteria provided, single submitter. Criteria: Ambry Variant Classification Scheme 2023. Collection method: clinical testing. Allele origin: germline.

Quest Diagnostics Nichols Institute San Juan Capistrano
Classification: Uncertain significance. Last evaluated: 2023-07-21. Review status: criteria provided, single submitter. Criteria: Quest Diagnostics criteria. Collection method: clinical testing. Allele origin: unknown.
Comment: To the best of our knowledge, this variant has not been reported in the published literature. The frequency of this variant in the general population, 0.0002 (5/24964 chromosomes (Genome Aggregation Database)), is uninformative in the assessment of its pathogenicity. Analysis of this variant using bioinformatics tools for the prediction of the effect of amino acid changes on protein structure and function yielded conflicting predictions that this variant is benign or damaging. Based on the available information, we are unable to determine the clinical significance of this variant.

Robarts Research Institute, Western University
Classification: Uncertain significance for Hypercholesterolemia, familial, 1. Review status: criteria provided, single submitter. Criteria: Wang et al. (Arterioscler Thromb Vasc Biol. 2016). Collection method: clinical testing. Allele origin: germline. Inheritance: Autosomal dominant inheritance. Affected: yes. Observed: 1 variant allele.